The following is an entry in ClinVar:

NM_003638.3(ITGA8):c.158del (p.Lys53fs)

Gene: ITGA8 (integrin subunit alpha 8; minus strand). Cytogenetic location: 10p13.
Variant type: Deletion.
Coding change: c.158del on transcript NM_003638.3 (MANE Select); coding-DNA position 158, one base deleted (A; older notation c.158delA).
Protein change: p.Lys53fs; shifts the reading frame from lysine 53.
Molecular consequence: frameshift variant.
Genome position (GRCh38, 1-based): chr10:15,719,614, T deleted on the plus strand (A on the coding strand, the reverse complement: ITGA8 is on the minus strand); the first of 2 consecutive T bases (chr10:15,719,614-15,719,615); deleting either gives the same sequence. VCF-style (leftmost placement, unchanged base first): chr10-15719613-CT-C. GRCh37 (hg19) VCF-style: chr10-15761612-CT-C.
Other names: c.158del, p.Lys53fs (NM_001291494.2); short protein forms K53fs.
Identifiers: ClinVar variation 3382277 (VCV003382277.2).

ClinVar aggregate classification (germline): Likely pathogenic (1 of 4 stars; one submission).

Conditions:
Renal hypodysplasia/aplasia 1 (RHDA1). Also called: HEREDITARY RENAL APLASIA; RENAL APLASIA. Identifiers: Orphanet 411709, MedGen C1619700, MONDO:0024519, OMIM 191830.

Submission:

Juno Genomics, Hangzhou Juno Genomics, Inc
Classification: Likely pathogenic for Renal hypodysplasia/aplasia 1. Review status: criteria provided, single submitter. Criteria: ACMG Guidelines, 2015. Collection method: clinical testing. Allele origin: germline. Affected: yes.
Comment: Absent from controls (or at extremely low frequency if recessive) in Genome Aggregation Database, Exome Sequencing Project, 1000 Genomes Project, or Exome Aggregation Consortium.;Null variant in a gene where loss of function (LOF) is a known mechanism of disease.